The following is an entry in ClinVar:

ClinVar aggregate classification (germline): Uncertain significance (1 of 4 stars; one submission).

Conditions:
Intellectual developmental disorder, X-linked, syndromic 14. Also called: Syndromic X-linked intellectual disability 14. Identifiers: Orphanet 776, MedGen C1970822, MONDO:0010398, OMIM 300676.

Submission:

Labcorp Genetics (formerly Invitae), Labcorp
Classification: Uncertain significance for Intellectual developmental disorder, X-linked, syndromic 14. Last evaluated: 2025-06-22. Review status: criteria provided, single submitter. Criteria: Invitae Variant Classification Sherloc (09022015). Collection method: clinical testing. Allele origin: germline.
Comment: This sequence change replaces alanine, which is neutral and non-polar, with serine, which is neutral and polar, at codon 22 of the UPF3B protein (p.Ala22Ser). This variant is not present in population databases (gnomAD no frequency). This variant has not been reported in the literature in individuals affected with UPF3B-related conditions. An algorithm developed to predict the effect of missense changes on protein structure and function (PolyPhen-2) suggests that this variant is likely to be disruptive. Algorithms developed to predict the effect of sequence changes on RNA splicing suggest that this variant may create or strengthen a splice site. In summary, the available evidence is currently insufficient to determine the role of this variant in disease. Therefore, it has been classified as a Variant of Uncertain Significance.

NM_080632.3(UPF3B):c.64G>T (p.Ala22Ser)

Gene: UPF3B (UPF3B regulator of nonsense mediated mRNA decay; minus strand). Cytogenetic location: Xq24.
Variant type: single nucleotide variant.
Coding change: c.64G>T on transcript NM_080632.3 (MANE Select); coding-DNA position 64, G replaced by T.
Protein change: p.Ala22Ser; replaces alanine 22 with serine.
Molecular consequence: missense variant.
Genome position (GRCh38, 1-based): chrX:119,852,865, C>A on the plus strand (G>T on the coding strand, the complement: UPF3B is on the minus strand). VCF-style: chrX-119852865-C-A. GRCh37 (hg19) VCF-style: chrX-118986828-C-A.
Other names: c.64G>T, p.Ala22Ser (NM_023010.4); short protein forms A22S.
Identifiers: ClinVar variation 4737765 (VCV004737765.1).